The following is an entry in ClinVar:

NM_002591.4(PCK1):c.1705C>A (p.Leu569Met)

Gene: PCK1 (phosphoenolpyruvate carboxykinase 1; plus strand). Cytogenetic location: 20q13.31.
Variant type: single nucleotide variant.
Coding change: c.1705C>A on transcript NM_002591.4 (MANE Select); coding-DNA position 1705, C replaced by A.
Protein change: p.Leu569Met; replaces leucine 569 with methionine.
Molecular consequence: missense variant.
Genome position (GRCh38, 1-based): chr20:57,565,640, C>A. VCF-style: chr20-57565640-C-A. GRCh37 (hg19) VCF-style: chr20-56140696-C-A.
Other names: short protein forms L569M.
Identifiers: ClinVar variation 2110246 (VCV002110246.4), dbSNP rs2515814399, ClinGen allele CA409437754.
Genomic context (GRCh38, chr20:57,565,640, plus strand): 5'-AGCACCAAGCTCACGCCCATAGGCTACATCCCCAAGGAGGATGCCCTGAACCTGAAAGGC[C>A]TGGGGCACATCAACATGATGGAGCTTTTCAGCATCTCCAAGGAATTCTGGGAGAAGGAGG-3'
Protein context (NP_002582.3, residues 559-579): PKEDALNLKG[Leu569Met]GHINMMELFS

ClinVar aggregate classification (germline): Uncertain significance (1 of 4 stars; one submission).

Submission:

Labcorp Genetics (formerly Invitae), Labcorp
Classification: Uncertain significance. Last evaluated: 2022-04-16. Review status: criteria provided, single submitter. Criteria: Invitae Variant Classification Sherloc (09022015). Collection method: clinical testing. Allele origin: germline.
Comment: In summary, the available evidence is currently insufficient to determine the role of this variant in disease. Therefore, it has been classified as a Variant of Uncertain Significance. Algorithms developed to predict the effect of missense changes on protein structure and function are either unavailable or do not agree on the potential impact of this missense change (SIFT: "Tolerated"; PolyPhen-2: "Possibly Damaging"; Align-GVGD: "Class C0"). This variant has not been reported in the literature in individuals affected with PCK1-related conditions. This variant is not present in population databases (gnomAD no frequency). This sequence change replaces leucine, which is neutral and non-polar, with methionine, which is neutral and non-polar, at codon 569 of the PCK1 protein (p.Leu569Met).